The following is an entry in ClinVar:

NM_004523.4(KIF11):c.326C>G (p.Thr109Ser)

Gene: KIF11 (kinesin family member 11; plus strand). Cytogenetic location: 10q23.33.
Variant type: single nucleotide variant.
Coding change: c.326C>G on transcript NM_004523.4 (MANE Select); coding-DNA position 326, C replaced by G.
Protein change: p.Thr109Ser; replaces threonine 109 with serine.
Molecular consequence: missense variant.
Genome position (GRCh38, 1-based): chr10:92,607,176, C>G. VCF-style: chr10-92607176-C-G. GRCh37 (hg19) VCF-style: chr10-94366933-C-G.
Other names: short protein forms T109S.
Identifiers: ClinVar variation 1800768 (VCV001800768.2), dbSNP rs2492477849, ClinGen allele CA377588928.

ClinVar aggregate classification (germline): Uncertain significance (1 of 4 stars; one submission).

Allele frequency attached by ClinVar (database versions not stated): gnomAD exomes below 0.00001.
gnomAD v4.1: 1 of 1,607,626 alleles (0.000062%); highest among the groups gnomAD compares: Non-Finnish European, 0.000085%; no homozygotes.

Submission:

GeneDx
Classification: Uncertain significance. Last evaluated: 2023-11-21. Review status: criteria provided, single submitter. Criteria: GeneDx Variant Classification Process June 2021. Collection method: clinical testing. Allele origin: germline.
Comment: Not observed at significant frequency in large population cohorts (gnomAD); In silico analysis supports that this missense variant has a deleterious effect on protein structure/function; Has not been previously published as pathogenic or benign to our knowledge